The following is an entry in ClinVar:

ClinVar aggregate classification (germline): Uncertain significance (1 of 4 stars; one submission).

Conditions:
Hereditary cancer-predisposing syndrome. Also called: Neoplastic Syndromes, Hereditary; Tumor predisposition; Hereditary Cancer Syndrome; Hereditary neoplastic syndrome. Identifiers: Orphanet 140162, MedGen C0027672, MeSH D009386, MONDO:0015356.

Submission:

Ambry Genetics
Classification: Uncertain significance for Hereditary cancer-predisposing syndrome. Last evaluated: 2021-09-30. Review status: criteria provided, single submitter. Criteria: Ambry Variant Classification Scheme 2023. Collection method: clinical testing. Allele origin: germline.
Comment: The p.K982T variant (also known as c.2945A>C), located in coding exon 19 of the BRIP1 gene, results from an A to C substitution at nucleotide position 2945. The lysine at codon 982 is replaced by threonine, an amino acid with similar properties. This amino acid position is conserved. In addition, this alteration is predicted to be tolerated by in silico analysis. Since supporting evidence is limited at this time, the clinical significance of this alteration remains unclear.

NM_032043.3(BRIP1):c.2945A>C (p.Lys982Thr)

Gene: BRIP1 (BRCA1 interacting DNA helicase 1; minus strand). Cytogenetic location: 17q23.2.
Variant type: single nucleotide variant.
Coding change: c.2945A>C on transcript NM_032043.3 (MANE Select); coding-DNA position 2945, A replaced by C.
Protein change: p.Lys982Thr; replaces lysine 982 with threonine.
Molecular consequence: missense variant.
Genome position (GRCh38, 1-based): chr17:61,684,101, T>G on the plus strand (A>C on the coding strand, the complement: BRIP1 is on the minus strand). VCF-style: chr17-61684101-T-G. GRCh37 (hg19) VCF-style: chr17-59761462-T-G.
Other names: short protein forms K982T.
Identifiers: ClinVar variation 1797960 (VCV001797960.2), dbSNP rs2144093418, ClinGen allele CA400480688.